The following is an entry in ClinVar:

NM_000218.3(KCNQ1):c.1514+17799C>T

Genes: KCNQ1 (potassium voltage-gated channel subfamily Q member 1; plus strand), KCNQ1OT1 (KCNQ1 opposite strand/antisense transcript 1; minus strand). Cytogenetic location: 11p15.5.
Variant type: single nucleotide variant.
Coding change: c.1514+17799C>T on transcript NM_000218.3 (MANE Select); 17799 bases into the intron after coding-DNA position 1514, C replaced by T.
Molecular consequence: intron variant. On other transcripts: non-coding transcript variant (1).
Genome position (GRCh38, 1-based): chr11:2,679,880, C>T. VCF-style: chr11-2679880-C-T. GRCh37 (hg19) VCF-style: chr11-2701110-C-T.
Other names: c.1244+17799C>T (NM_001406837.1); c.1418+17799C>T (NM_001406836.1); c.974+17799C>T (NM_001406838.1); c.1133+17799C>T (NM_181798.2).
Identifiers: ClinVar variation 4987306 (VCV004987306.1).

ClinVar aggregate classification (germline): Likely benign (1 of 4 stars; one submission).

Conditions:
KCNQ1-related disorder. Also called: KCNQ1-related disorders; KCNQ1-related condition. Identifiers: MedGen CN239322.

gnomAD v4.1: 66 of 398,176 alleles (0.017%); highest among the groups gnomAD compares: Middle Eastern, 0.063%; no homozygotes.

Submission:

PreventionGenetics, part of Exact Sciences
Classification: Likely benign for KCNQ1-related condition. Last evaluated: 2025-11-21. Review status: criteria provided, single submitter. Criteria: ACMG Guidelines, 2015. Collection method: clinical testing. Allele origin: germline.
Comment: This variant is classified as likely benign based on ACMG/AMP sequence variant interpretation guidelines (Richards et al. 2015 PMID: 25741868, with internal and published modifications).